The following is an entry in ClinVar:

ClinVar aggregate classification (germline): Uncertain significance (1 of 4 stars; one submission).

Conditions:
Intellectual developmental disorder, autosomal dominant 67 (MRD67). Also called: MENTAL RETARDATION, AUTOSOMAL DOMINANT 67. Identifiers: MedGen C5677006, MONDO:0030964, OMIM 619927.

Allele frequency attached by ClinVar (database versions not stated): gnomAD 0.00001; gnomAD exomes 0.00001; TOPMed 0.00001.
gnomAD v4.1: 14 of 1,613,866 alleles (0.00087%); highest among the groups gnomAD compares: African/African-American, 0.0013%; no homozygotes.

Submission:

Clinical Genomics Laboratory, Washington University in St. Louis
Classification: Uncertain significance for Intellectual developmental disorder, autosomal dominant 67. Last evaluated: 2023-08-29. Review status: criteria provided, single submitter. Criteria: ACMG Guidelines, 2015. Collection method: clinical testing. Allele origin: germline.
Comment: The GRIA1 c.341C>T (p.Pro114Leu) variant, to our knowledge, has not been reported in the medical literature and is absent from the general population (gnomAD v.2.1.1), indicating it is not a common variant. Computational predictors indicate that the variant is damaging, evidence that correlates with impact to GRIA1 function. Due to limited information, and based on ACMG/AMP guidelines for variant interpretation (Richards S et al., PMID: 25741868), the clinical significance of this variant is uncertain at this time.

NM_000827.4(GRIA1):c.341C>T (p.Pro114Leu)

Gene: GRIA1 (glutamate ionotropic receptor AMPA type subunit 1; plus strand). Cytogenetic location: 5q33.2.
Variant type: single nucleotide variant.
Coding change: c.341C>T on transcript NM_000827.4 (MANE Select); coding-DNA position 341, C replaced by T.
Protein change: p.Pro114Leu; replaces proline 114 with leucine.
Molecular consequence: missense variant. On other transcripts: non-coding transcript variant (2), intron variant (1).
Genome position (GRCh38, 1-based): chr5:153,647,048, C>T. VCF-style: chr5-153647048-C-T. GRCh37 (hg19) VCF-style: chr5-153026608-C-T.
Other names: c.341C>T, p.Pro114Leu (NM_001114183.2, NM_001364165.2); c.56C>T, p.Pro19Leu (NM_001258020.2); c.371C>T, p.Pro124Leu (NM_001258021.2, NM_001258022.2); c.134C>T, p.Pro45Leu (NM_001258023.1, NM_001364167.2); c.368C>T, p.Pro123Leu (NM_001364166.2); c.221-3282C>T (NM_001258019.2); short protein forms P114L, P123L, P124L, P19L, P45L.
Identifiers: ClinVar variation 2672102 (VCV002672102.1), dbSNP rs1161670457, ClinGen allele CA361905010.